The following is an entry in ClinVar:

NM_004836.7(EIF2AK3):c.1751G>A (p.Gly584Glu)

Gene: EIF2AK3 (eukaryotic translation initiation factor 2 alpha kinase 3; minus strand). Cytogenetic location: 2p11.2.
Variant type: single nucleotide variant.
Coding change: c.1751G>A on transcript NM_004836.7 (MANE Select); coding-DNA position 1751, G replaced by A.
Protein change: p.Gly584Glu; replaces glycine 584 with glutamic acid.
Molecular consequence: missense variant.
Genome position (GRCh38, 1-based): chr2:88,583,442, C>T on the plus strand (G>A on the coding strand, the complement: EIF2AK3 is on the minus strand). VCF-style: chr2-88583442-C-T. GRCh37 (hg19) VCF-style: chr2-88882960-C-T.
Other names: c.1298G>A, p.Gly433Glu (NM_001313915.2); short protein forms G584E, G433E.
Identifiers: ClinVar variation 393382 (VCV000393382.14), dbSNP rs150314450, ClinGen allele CA1754614.

ClinVar aggregate classification (germline): Conflicting classifications of pathogenicity. Review status: criteria provided, conflicting classifications (1 of 4 stars). 5 submissions from 5 submitters: Uncertain significance (4); Likely benign (1). Last evaluated 2025-10-29.

Conditions:
Monogenic diabetes. Identifiers: Orphanet 183625, MedGen C3888631, MONDO:0015967.
Wolcott-Rallison dysplasia. Also called: MED-IDDM SYNDROME; Wolcott-Rallison syndrome. Identifiers: Orphanet 1667, MedGen C0432217, MONDO:0009192, OMIM 226980.
Connective tissue disorder. Also called: Connective tissue disease. Identifiers: MedGen C0009782, MONDO:0003900.

Allele frequency attached by ClinVar (database versions not stated): gnomAD exomes 0.00017; ExAC 0.00021; ESP Exome Variant Server 0.00062; TOPMed 0.00071; gnomAD 0.00072 and 0.00079; 1000 Genomes Project 30x 0.00078; 1000 Genomes Project 0.00080.
gnomAD v4.1: 205 of 1,611,116 alleles (0.013%); highest among the groups gnomAD compares: African/African-American, 0.25%; no homozygotes.

Submissions (5):

Labcorp Genetics (formerly Invitae), Labcorp
Classification: Likely benign. Last evaluated: 2025-10-29. Review status: criteria provided, single submitter. Criteria: Invitae Variant Classification Sherloc (09022015). Collection method: clinical testing. Allele origin: germline.

New York Genome Center
Classification: Uncertain significance for Wolcott-Rallison dysplasia. Last evaluated: 2021-10-26. Review status: criteria provided, single submitter. Criteria: NYGC Assertion Criteria 2020. Collection method: clinical testing. Allele origin: germline. Observed: 1 heterozygote.

Genome Diagnostics Laboratory, The Hospital for Sick Children
Classification: Uncertain significance for Connective tissue disorder. Last evaluated: 2021-06-22. Review status: criteria provided, single submitter. Criteria: ACMG Guidelines, 2015. Collection method: clinical testing. Allele origin: germline.

Fulgent Genetics
Classification: Uncertain significance for Wolcott-Rallison dysplasia. Last evaluated: 2018-10-31. Review status: criteria provided, single submitter. Criteria: ACMG Guidelines, 2015. Collection method: clinical testing. Allele origin: unknown.

Personalized Diabetes Medicine Program, University of Maryland School of Medicine
Classification: Uncertain significance for Monogenic diabetes. Last evaluated: 2015-10-27. Review status: criteria provided, single submitter. Criteria: ACMG Guidelines, 2015. Collection method: research. Allele origin: unknown. Observed: 1 variant allele, 1 heterozygote.
Comment: ACMG Criteria: PP3, BS2, BP4